The following is an entry in ClinVar:

ClinVar aggregate classification (germline): Uncertain significance (1 of 4 stars; one submission).

Allele frequency attached by ClinVar (database versions not stated): gnomAD exomes 0.00002.
gnomAD v4.1: 12 of 1,614,132 alleles (0.00074%); highest among the groups gnomAD compares: East Asian, 0.025%; no homozygotes.

Submission:

Ambry Genetics
Classification: Uncertain significance. Last evaluated: 2022-10-04. Review status: criteria provided, single submitter. Criteria: Ambry Variant Classification Scheme 2023. Collection method: clinical testing. Allele origin: germline.
Comment: The p.N169D variant (also known as c.505A>G), located in coding exon 3 of the ALPK2 gene, results from an A to G substitution at nucleotide position 505. The asparagine at codon 169 is replaced by aspartic acid, an amino acid with highly similar properties. This amino acid position is conserved. In addition, this alteration is predicted to be tolerated by in silico analysis. Since supporting evidence is limited at this time, the clinical significance of this alteration remains unclear.

NM_052947.4(ALPK2):c.505A>G (p.Asn169Asp)

Gene: ALPK2 (alpha kinase 2; minus strand). Cytogenetic location: 18q21.31.
Variant type: single nucleotide variant.
Coding change: c.505A>G on transcript NM_052947.4 (MANE Select); coding-DNA position 505, A replaced by G.
Protein change: p.Asn169Asp; replaces asparagine 169 with aspartic acid.
Molecular consequence: missense variant.
Genome position (GRCh38, 1-based): chr18:58,580,271, T>C on the plus strand (A>G on the coding strand, the complement: ALPK2 is on the minus strand). VCF-style: chr18-58580271-T-C. GRCh37 (hg19) VCF-style: chr18-56247503-T-C.
Other names: short protein forms N169D.
Identifiers: ClinVar variation 1745080 (VCV001745080.2), dbSNP rs1419837700, ClinGen allele CA402567829.